The following is an entry in ClinVar:

NM_000094.4(COL7A1):c.6800A>G (p.Lys2267Arg)

Gene: COL7A1 (collagen type VII alpha 1 chain; minus strand). Cytogenetic location: 3p21.31.
Variant type: single nucleotide variant.
Coding change: c.6800A>G on transcript NM_000094.4 (MANE Select); coding-DNA position 6800, A replaced by G.
Protein change: p.Lys2267Arg; replaces lysine 2267 with arginine.
Molecular consequence: missense variant.
Genome position (GRCh38, 1-based): chr3:48,572,893, T>C on the plus strand (A>G on the coding strand, the complement: COL7A1 is on the minus strand). VCF-style: chr3-48572893-T-C. GRCh37 (hg19) VCF-style: chr3-48610326-T-C.
Other names: short protein forms K2267R.
Identifiers: ClinVar variation 739684 (VCV000739684.12), dbSNP rs574558938, ClinGen allele CA2378838.

ClinVar aggregate classification (germline): Likely benign. Review status: criteria provided, multiple submitters, no conflicts (2 of 4 stars). 3 submissions from 3 submitters: Likely benign (2). 1 of the submissions does not count toward it. Last evaluated 2026-01-09.

Conditions:
COL7A1-related disorder. Also called: COL7A1-related condition; COL7A1- related disorders.
Epidermolysis bullosa dystrophica. Also called: Dystrophic epidermolysis bullosa; Dystrophic epidermolysis bullosa, Hallopeau-Siemens type (formerly). Identifiers: Orphanet 303, MedGen C0079294, MONDO:0006543.

Allele frequency attached by ClinVar (database versions not stated): gnomAD below 0.00001 and 0.00008; TOPMed 0.00002; 1000 Genomes Project 30x 0.00031; 1000 Genomes Project 0.00040; gnomAD exomes 0.00047 and 0.00024; ExAC 0.00057.
gnomAD v4.1: 357 of 1,613,846 alleles (0.022%); highest among the groups gnomAD compares: South Asian, 0.38%; 4 homozygotes.

Submissions (3):

Labcorp Genetics (formerly Invitae), Labcorp
Classification: Likely benign. Last evaluated: 2026-01-09. Review status: criteria provided, single submitter. Criteria: Invitae Variant Classification Sherloc (09022015). Collection method: clinical testing. Allele origin: germline.

PreventionGenetics, part of Exact Sciences
Classification: Likely benign for COL7A1-related condition. Last evaluated: 2025-07-08. Review status: criteria provided, single submitter. Criteria: ACMG Guidelines, 2015. Collection method: clinical testing. Allele origin: germline.
Comment: This variant is classified as likely benign based on ACMG/AMP sequence variant interpretation guidelines (Richards et al. 2015 PMID: 25741868, with internal and published modifications).

Natera, Inc.
Classification: Benign for Dystrophic epidermolysis bullosa. Last evaluated: 2020-01-29. Review status: no assertion criteria provided. Collection method: clinical testing. Allele origin: germline. Not counted in ClinVar's aggregate classification.